The following is an entry in ClinVar:

NM_000238.4(KCNH2):c.872T>C (p.Met291Thr)

Gene: KCNH2 (potassium voltage-gated channel subfamily H member 2; minus strand). Cytogenetic location: 7q36.1.
Variant type: single nucleotide variant.
Coding change: c.872T>C on transcript NM_000238.4 (MANE Select); coding-DNA position 872, T replaced by C.
Protein change: p.Met291Thr; replaces methionine 291 with threonine.
Molecular consequence: missense variant.
Genome position (GRCh38, 1-based): chr7:150,958,103, A>G on the plus strand (T>C on the coding strand, the complement: KCNH2 is on the minus strand). VCF-style: chr7-150958103-A-G. GRCh37 (hg19) VCF-style: chr7-150655191-A-G.
Other names: c.872T>C (LRG_288t1); c.584T>C, p.Met195Thr (NM_001406753.1, NM_001406756.1); c.695T>C, p.Met232Thr (NM_001406755.1); c.572T>C, p.Met191Thr (NM_001406757.1); c.872T>C, p.Met291Thr (NM_172056.3); short protein forms M291T, M195T, M191T, M232T.
Identifiers: ClinVar variation 67537 (VCV000067537.11), dbSNP rs199472881, ClinGen allele CA008928.

ClinVar aggregate classification (germline): Uncertain significance. Review status: criteria provided, multiple submitters, no conflicts (2 of 4 stars). 5 submissions from 5 submitters: Uncertain significance (4). 1 of the submissions does not count toward it. Last evaluated 2026-03-12.

Conditions:
Cardiovascular phenotype. Identifiers: MedGen CN230736.
Familial long QT syndrome (RWS). Also called: Congenital long QT syndrome; Romano-Ward syndrome; VENTRICULAR FIBRILLATION WITH PROLONGED QT INTERVAL. Identifiers: Orphanet 768, MedGen C1141890, MONDO:0019171.
Long QT syndrome (LQTS). Identifiers: MedGen C0023976, MeSH D008133, MONDO:0002442. Disease mechanism: loss of function. Inheritance: Various modes of inheritance.
Short QT syndrome type 1. Identifiers: Orphanet 51083, MedGen C1865020, MONDO:0012312, OMIM 609620.
Long QT syndrome 2 (LQT2). Identifiers: Orphanet 101016, Orphanet 768, MedGen C3150943, MONDO:0013367, OMIM 613688.

Allele frequency attached by ClinVar (database versions not stated): TOPMed 0.00003.
gnomAD v4.1: 65 of 1,288,204 alleles (0.005%); highest among the groups gnomAD compares: Non-Finnish European, 0.0061%; no homozygotes.

Submissions (5):

Ambry Genetics
Classification: Uncertain significance for Cardiovascular phenotype. Last evaluated: 2026-03-12. Review status: criteria provided, single submitter. Criteria: Ambry Variant Classification Scheme 2023. Collection method: clinical testing. Allele origin: germline.

Labcorp Genetics (formerly Invitae), Labcorp
Classification: Uncertain significance for Long QT syndrome. Last evaluated: 2025-11-16. Review status: criteria provided, single submitter. Criteria: Invitae Variant Classification Sherloc (09022015). Collection method: clinical testing. Allele origin: germline.
Comment: This sequence change replaces methionine, which is neutral and non-polar, with threonine, which is neutral and polar, at codon 291 of the KCNH2 protein (p.Met291Thr). This variant is not present in population databases (gnomAD no frequency). This missense change has been observed in individual(s) with sudden arrhythmic death syndrome (PMID: 19716085, 28449774). ClinVar contains an entry for this variant (Variation ID: 67537). An algorithm developed to predict the effect of missense changes on protein structure and function (PolyPhen-2) suggests that this variant is likely to be tolerated. In summary, the available evidence is currently insufficient to determine the role of this variant in disease. Therefore, it has been classified as a Variant of Uncertain Significance.

Fulgent Genetics
Classification: Uncertain significance for Short QT syndrome type 1; Long QT syndrome 2. Last evaluated: 2021-09-23. Review status: criteria provided, single submitter. Criteria: ACMG Guidelines, 2015. Collection method: clinical testing. Allele origin: unknown.

Breakthrough Genomics
Classification: Uncertain significance. Review status: criteria provided, single submitter. Criteria: ACMG Guidelines, 2015. Collection method: not provided. Allele origin: germline. Inheritance: Autosomal recessive inheritance. Affected: yes.

Cardiovascular Biomedical Research Unit, Royal Brompton & Harefield NHS Foundation Trust
No classification provided. Condition: Familial long QT syndrome. Review status: no classification provided. Collection method: literature only. Allele origin: germline. Not counted in ClinVar's aggregate classification.
Comment: This variant has been reported as associated with Long QT syndrome in the following publications (PMID:19716085). This is a literature report, and does not necessarily reflect the clinical interpretation of the Imperial College / Royal Brompton Cardiovascular Genetics laboratory.

Literature cited by the submitters: PubMed 19716085 (cited by Labcorp Genetics (formerly Invitae), Labcorp and Cardiovascular Biomedical Research Unit, Royal Brompton & Harefield NHS Foundation Trust); PubMed 28449774 (cited by Labcorp Genetics (formerly Invitae), Labcorp); PubMed 22581653 (cited by Cardiovascular Biomedical Research Unit, Royal Brompton & Harefield NHS Foundation Trust).